The following is an entry in ClinVar:

ClinVar aggregate classification (germline): Uncertain significance (1 of 4 stars; one submission).

Conditions:
Autism spectrum disorder due to AUTS2 deficiency (MRD26). Also called: INTELLECTUAL DEVELOPMENTAL DISORDER, AUTOSOMAL DOMINANT 26. Identifiers: Orphanet 352490, MedGen C4014435, MONDO:0014361, OMIM 615834.

Submission:

Institute of Human Genetics, University of Leipzig Medical Center
Classification: Uncertain significance for Autism spectrum disorder due to AUTS2 deficiency. Last evaluated: 2023-12-29. Review status: criteria provided, single submitter. Criteria: ACMG Guidelines, 2015. Collection method: clinical testing. Allele origin: de novo. Inheritance: Autosomal dominant inheritance. Affected: yes.
Comment: Criteria applied: PM1_SUP,PS2_SUP,PM2_SUP

NM_015570.4(AUTS2):c.1617C>A (p.His539Gln)

Gene: AUTS2 (activator of transcription and developmental regulator AUTS2; plus strand). Cytogenetic location: 7q11.22.
Variant type: single nucleotide variant.
Coding change: c.1617C>A on transcript NM_015570.4 (MANE Select); coding-DNA position 1617, C replaced by A.
Protein change: p.His539Gln; replaces histidine 539 with glutamine.
Molecular consequence: missense variant.
Genome position (GRCh38, 1-based): chr7:70,766,262, C>A. VCF-style: chr7-70766262-C-A. GRCh37 (hg19) VCF-style: chr7-70231248-C-A.
Other names: c.1617C>A, p.His539Gln (NM_001127231.3); short protein forms H539Q.
Identifiers: ClinVar variation 2627571 (VCV002627571.3), dbSNP rs2484683898, ClinGen allele CA367668971.